The following is an entry in ClinVar:

ClinVar aggregate classification (germline): Uncertain significance (1 of 4 stars; one submission).

Submission:

Labcorp Genetics (formerly Invitae), Labcorp
Classification: Uncertain significance. Last evaluated: 2025-02-18. Review status: criteria provided, single submitter. Criteria: Invitae Variant Classification Sherloc (09022015). Collection method: clinical testing. Allele origin: germline.
Comment: This sequence change affects codon 133 of the EEF2 mRNA. It is a 'silent' change, meaning that it does not change the encoded amino acid sequence of the EEF2 protein. It affects a nucleotide within the consensus splice site. This variant is not present in population databases (gnomAD no frequency). This variant has not been reported in the literature in individuals affected with EEF2-related conditions. Algorithms developed to predict the effect of sequence changes on RNA splicing suggest that this variant is not likely to affect RNA splicing. In summary, the available evidence is currently insufficient to determine the role of this variant in disease. Therefore, it has been classified as a Variant of Uncertain Significance.

NM_001961.4(EEF2):c.399A>C (p.Ser133=)

Gene: EEF2 (eukaryotic translation elongation factor 2; minus strand). Cytogenetic location: 19p13.3.
Variant type: single nucleotide variant.
Coding change: c.399A>C on transcript NM_001961.4 (MANE Select); coding-DNA position 399, A replaced by C.
Protein change: p.Ser133=; no amino-acid change (serine 133 retained).
Molecular consequence: synonymous variant.
Genome position (GRCh38, 1-based): chr19:3,983,111, T>G on the plus strand (A>C on the coding strand, the complement: EEF2 is on the minus strand). VCF-style: chr19-3983111-T-G. GRCh37 (hg19) VCF-style: chr19-3983109-T-G.
Identifiers: ClinVar variation 3606333 (VCV003606333.2).